The following is an entry in ClinVar:

NM_005557.4(KRT16):c.1_4dup (p.Thr2fs)

Gene: KRT16 (keratin 16; minus strand). Cytogenetic location: 17q21.2.
Variant type: Duplication.
Coding change: c.1_4dup on transcript NM_005557.4 (MANE Select); coding-DNA positions 1 to 4, 4 bases duplicated (ATGA; older notation c.1_4dupATGA).
Protein change: p.Thr2fs; shifts the reading frame from threonine 2.
Molecular consequence: frameshift variant, initiator codon variant.
Genome position (GRCh38, 1-based): chr17:41,612,685-41,612,688, TCAT duplicated on the plus strand (ATGA on the coding strand, the reverse complement: KRT16 is on the minus strand). VCF-style (leftmost placement, unchanged base first): chr17-41612684-G-GTCAT. GRCh37 (hg19) VCF-style: chr17-39768936-G-GTCAT.
Other names: short protein forms T2fs.
Identifiers: ClinVar variation 4681892 (VCV004681892.5).

ClinVar aggregate classification (germline): Likely pathogenic (1 of 4 stars; one submission).

Submission:

CeGaT Center for Human Genetics Tuebingen
Classification: Likely pathogenic. Last evaluated: 2026-04-01. Review status: criteria provided, single submitter. Criteria: CeGaT Center For Human Genetics Tuebingen Variant Classification Criteria Version 2. Collection method: clinical testing. Allele origin: germline. Affected: yes. Observed: 2 variant alleles.
Comment: KRT16: PVS1:Strong, PM2, PP4